The following is an entry in ClinVar:

NM_000487.6(ARSA):c.629T>G (p.Leu210Arg)

Gene: ARSA (arylsulfatase A; minus strand). Cytogenetic location: 22q13.33.
Variant type: single nucleotide variant.
Coding change: c.629T>G on transcript NM_000487.6 (MANE Select); coding-DNA position 629, T replaced by G.
Protein change: p.Leu210Arg; replaces leucine 210 with arginine.
Molecular consequence: missense variant.
Genome position (GRCh38, 1-based): chr22:50,626,889, A>C on the plus strand (T>G on the coding strand, the complement: ARSA is on the minus strand). VCF-style: chr22-50626889-A-C. GRCh37 (hg19) VCF-style: chr22-51065317-A-C.
Other names: c.629T>G, p.Leu210Arg (NM_001085425.3, NM_001085426.3, NM_001085427.3); c.371T>G, p.Leu124Arg (NM_001085428.3, NM_001362782.2); short protein forms L124R, L210R.
Identifiers: ClinVar variation 3637804 (VCV003637804.2).

ClinVar aggregate classification (germline): Likely pathogenic (1 of 4 stars; one submission).

Conditions:
Metachromatic leukodystrophy (MLD). Also called: Cerebral sclerosis diffuse metachromatic form; Arylsulfatase A Deficiency; ARSA DEFICIENCY; CEREBROSIDE SULFATASE DEFICIENCY; METACHROMATIC LEUKOENCEPHALOPATHY; SULFATIDE LIPIDOSIS. Identifiers: Orphanet 512, MedGen C0023522, MONDO:0018868, OMIM 250100.

Submission:

Labcorp Genetics (formerly Invitae), Labcorp
Classification: Likely pathogenic for Metachromatic leukodystrophy. Last evaluated: 2024-02-09. Review status: criteria provided, single submitter. Criteria: Invitae Variant Classification Sherloc (09022015). Collection method: clinical testing. Allele origin: germline.
Comment: This sequence change replaces leucine, which is neutral and non-polar, with arginine, which is basic and polar, at codon 210 of the ARSA protein (p.Leu210Arg). This variant is not present in population databases (gnomAD no frequency). This variant has not been reported in the literature in individuals affected with ARSA-related conditions. Advanced modeling of protein sequence and biophysical properties (such as structural, functional, and spatial information, amino acid conservation, physicochemical variation, residue mobility, and thermodynamic stability) performed at Invitae indicates that this missense variant is expected to disrupt ARSA protein function with a positive predictive value of 95%. This variant disrupts the p.Leu210 amino acid residue in ARSA. Other variant(s) that disrupt this residue have been determined to be pathogenic (PMID: 27779215, 30057904). This suggests that this residue is clinically significant, and that variants that disrupt this residue are likely to be disease-causing. In summary, the currently available evidence indicates that the variant is pathogenic, but additional data are needed to prove that conclusively. Therefore, this variant has been classified as Likely Pathogenic.

Literature cited by the submitters: PubMed 27779215; PubMed 30057904.